The following is an entry in ClinVar:

NM_032242.4(PLXNA1):c.1271C>T (p.Thr424Met)

Gene: PLXNA1 (plexin A1; plus strand). Cytogenetic location: 3q21.3.
Variant type: single nucleotide variant.
Coding change: c.1271C>T on transcript NM_032242.4 (MANE Select); coding-DNA position 1271, C replaced by T.
Protein change: p.Thr424Met; replaces threonine 424 with methionine.
Molecular consequence: missense variant.
Genome position (GRCh38, 1-based): chr3:126,991,460, C>T. VCF-style: chr3-126991460-C-T. GRCh37 (hg19) VCF-style: chr3-126710303-C-T.
Other names: short protein forms T424M.
Identifiers: ClinVar variation 3041042 (VCV003041042.4), dbSNP rs539036594, ClinGen allele CA2593171.

ClinVar aggregate classification (germline): Uncertain significance. Review status: criteria provided, multiple submitters, no conflicts (2 of 4 stars). 2 submissions from 2 submitters: Uncertain significance (2). Last evaluated 2026-02-21.

Conditions:
PLXNA1-related disorder. Also called: PLXNA1-related condition.

Allele frequency attached by ClinVar (database versions not stated): gnomAD exomes 0.00002; ExAC 0.00004; TOPMed 0.00009; gnomAD 0.00014; 1000 Genomes Project 30x 0.00016; 1000 Genomes Project 0.00020.
gnomAD v4.1: 47 of 1,612,790 alleles (0.0029%); highest among the groups gnomAD compares: African/African-American, 0.043%; 1 homozygote.

Submissions (2):

PreventionGenetics, part of Exact Sciences
Classification: Uncertain significance for PLXNA1-related condition. Last evaluated: 2026-02-21. Review status: criteria provided, single submitter. Criteria: ACMG Guidelines, 2015. Collection method: clinical testing. Allele origin: germline.
Comment: The PLXNA1 c.1271C>T variant is predicted to result in the amino acid substitution p.Thr424Met. To our knowledge, this variant has not been reported in the literature. This variant is reported in 0.028% of alleles in individuals of African descent in gnomAD including one homozygous individual. Although we suspect that this variant may be benign, at this time, the clinical significance of this variant is uncertain due to the absence of conclusive functional and genetic evidence.

Ambry Genetics
Classification: Uncertain significance. Last evaluated: 2025-09-09. Review status: criteria provided, single submitter. Criteria: Ambry Variant Classification Scheme 2023. Collection method: clinical testing. Allele origin: germline.